The following is an entry in ClinVar:

ClinVar aggregate classification (germline): Uncertain significance (1 of 4 stars; one submission).

Conditions:
Rubinstein-Taybi syndrome due to EP300 haploinsufficiency. Also called: EP300-Related Rubinstein-Taybi Syndrome; RUBINSTEIN-TAYBI SYNDROME 2. Identifiers: Orphanet 353284, Orphanet 783, MedGen C3150941, MONDO:0013364, OMIM 613684.

Submission:

Labcorp Genetics (formerly Invitae), Labcorp
Classification: Uncertain significance for Rubinstein-Taybi syndrome due to EP300 haploinsufficiency. Last evaluated: 2023-08-24. Review status: criteria provided, single submitter. Criteria: Invitae Variant Classification Sherloc (09022015). Collection method: clinical testing. Allele origin: germline.
Comment: This sequence change replaces methionine, which is neutral and non-polar, with isoleucine, which is neutral and non-polar, at codon 982 of the EP300 protein (p.Met982Ile). This variant is not present in population databases (gnomAD no frequency). In summary, the available evidence is currently insufficient to determine the role of this variant in disease. Therefore, it has been classified as a Variant of Uncertain Significance. Advanced modeling of protein sequence and biophysical properties (such as structural, functional, and spatial information, amino acid conservation, physicochemical variation, residue mobility, and thermodynamic stability) performed at Invitae indicates that this missense variant is not expected to disrupt EP300 protein function. ClinVar contains an entry for this variant (Variation ID: 2160752). This variant has not been reported in the literature in individuals affected with EP300-related conditions.

NM_001429.4(EP300):c.2946G>A (p.Met982Ile)

Genes: EP300 (EP300 lysine acetyltransferase; plus strand), LOC126863158 (BRD4-independent group 4 enhancer GRCh37_chr22:41547383-41548582; plus strand). Cytogenetic location: 22q13.2.
Variant type: single nucleotide variant.
Coding change: c.2946G>A on transcript NM_001429.4 (MANE Select); coding-DNA position 2946, G replaced by A.
Protein change: p.Met982Ile; replaces methionine 982 with isoleucine.
Molecular consequence: missense variant.
Genome position (GRCh38, 1-based): chr22:41,151,961, G>A. VCF-style: chr22-41151961-G-A. GRCh37 (hg19) VCF-style: chr22-41547965-G-A.
Other names: c.2868G>A, p.Met956Ile (NM_001362843.2); short protein forms M982I, M956I.
Identifiers: ClinVar variation 2160752 (VCV002160752.4), dbSNP rs2059048426, ClinGen allele CA411693020.